The following is an entry in ClinVar:

NM_004168.4(SDHA):c.770G>A (p.Gly257Glu)

Gene: SDHA (succinate dehydrogenase complex flavoprotein subunit A; plus strand). Cytogenetic location: 5p15.33.
Variant type: single nucleotide variant.
Coding change: c.770G>A on transcript NM_004168.4 (MANE Select); coding-DNA position 770, G replaced by A.
Protein change: p.Gly257Glu; replaces glycine 257 with glutamic acid.
Molecular consequence: missense variant.
Genome position (GRCh38, 1-based): chr5:228,333, G>A. VCF-style: chr5-228333-G-A. GRCh37 (hg19) VCF-style: chr5-228448-G-A.
Other names: c.626G>A, p.Gly209Glu (NM_001294332.2); c.770G>A, p.Gly257Glu (NM_001330758.2); c.770G>A (NM_004168.2); short protein forms G209E, G257E.
Identifiers: ClinVar variation 1051009 (VCV001051009.10), dbSNP rs749566947, ClinGen allele CA3172962.
Genomic context (GRCh38, chr5:228,333, plus strand): 5'-TGTGCATAGAGGACGGGTCCATCCATCGCATAAGAGCAAAGAACACTGTTGTTGCCACAG[G>A]GTAGGAATCTCATTTCTACTTTATTTTGTTTATAAAAATGAATAAATTTCATTTAGAGTT-3'
Protein context (NP_004159.2, residues 247-267): IRAKNTVVAT[Gly257Glu]GYGRTYFSCT

ClinVar aggregate classification (germline): Uncertain significance. Review status: criteria provided, multiple submitters, no conflicts (2 of 4 stars). 2 submissions from 2 submitters: Uncertain significance (2). Last evaluated 2026-04-06.

Conditions:
Mitochondrial complex II deficiency, nuclear type 1. Also called: SUCCINATE CoQ REDUCTASE DEFICIENCY. Identifiers: Orphanet 3208, MedGen C5700310, MONDO:0100294, OMIM 252011.
Pheochromocytoma/paraganglioma syndrome 5. Also called: Paragangliomas 5; SDHA-Related Hereditary Paraganglioma-Pheochromocytoma Syndrome. Identifiers: Orphanet 29072, MedGen C3279992, MONDO:0013602, OMIM 614165.
Hereditary cancer-predisposing syndrome. Also called: Tumor predisposition; Hereditary neoplastic syndrome; Neoplastic Syndromes, Hereditary; Hereditary Cancer Syndrome. Identifiers: Orphanet 140162, MedGen C0027672, MeSH D009386, MONDO:0015356.

Allele frequency attached by ClinVar (database versions not stated): gnomAD exomes below 0.00001; ExAC 0.00001.
gnomAD v4.1: 1 of 1,613,286 alleles (0.000062%); highest among the groups gnomAD compares: Non-Finnish European, 0.000085%; no homozygotes.

Submissions (2):

Ambry Genetics
Classification: Uncertain significance for Hereditary cancer-predisposing syndrome. Last evaluated: 2026-04-06. Review status: criteria provided, single submitter. Criteria: Ambry Variant Classification Scheme 2023. Collection method: clinical testing. Allele origin: germline.
Comment: The p.G257E variant (also known as c.770G>A), located in coding exon 6 of the SDHA gene, results from a G to A substitution at nucleotide position 770. The amino acid change results in glycine to glutamic acid at codon 257, an amino acid with similar properties. However, this change occurs in the last base pair of coding exon 6, which makes it likely to have some effect on normal mRNA splicing. This nucleotide position is highly conserved in available vertebrate species. In silico splice site analysis predicts that this alteration will not have any significant effect on splicing. This amino acid position is highly conserved in available vertebrate species. In addition, as a missense substitution this is predicted to be deleterious by in silico analysis. Based on the available evidence, the clinical significance of this variant remains unclear.

Labcorp Genetics (formerly Invitae), Labcorp
Classification: Uncertain significance for Pheochromocytoma/paraganglioma syndrome 5; Mitochondrial complex II deficiency, nuclear type 1. Last evaluated: 2023-06-19. Review status: criteria provided, single submitter. Criteria: Invitae Variant Classification Sherloc (09022015). Collection method: clinical testing. Allele origin: germline.
Comment: This sequence change replaces glycine, which is neutral and non-polar, with glutamic acid, which is acidic and polar, at codon 257 of the SDHA protein (p.Gly257Glu). This variant also falls at the last nucleotide of exon 6, which is part of the consensus splice site for this exon. This variant is present in population databases (rs749566947, gnomAD 0.0009%). This variant has not been reported in the literature in individuals affected with SDHA-related conditions. ClinVar contains an entry for this variant (Variation ID: 1051009). An algorithm developed to predict the effect of missense changes on protein structure and function (PolyPhen-2) suggests that this variant is likely to be disruptive. Variants that disrupt the consensus splice site are a relatively common cause of aberrant splicing (PMID: 17576681, 9536098). In summary, the available evidence is currently insufficient to determine the role of this variant in disease. Therefore, it has been classified as a Variant of Uncertain Significance.

Literature cited by the submitters: PubMed 17576681 (cited by Labcorp Genetics (formerly Invitae), Labcorp); PubMed 9536098 (cited by Labcorp Genetics (formerly Invitae), Labcorp).